The following is an entry in ClinVar:

ClinVar aggregate classification (germline): Pathogenic/Likely pathogenic. Review status: criteria provided, multiple submitters, no conflicts (2 of 4 stars). 8 submissions from 8 submitters: Pathogenic (5); Likely pathogenic (2). 1 of the submissions does not count toward it. Last evaluated 2025-10-05.

Conditions:
Autosomal recessive spinocerebellar ataxia 16. Identifiers: Orphanet 412057, MedGen C5190574, MONDO:0014339, OMIM 615768.
Spinocerebellar ataxia 48. Identifiers: Orphanet 631103, MedGen C4748158, MONDO:0032526, OMIM 618093.

Allele frequency attached by ClinVar (database versions not stated): gnomAD exomes below 0.00001; TOPMed below 0.00001; ExAC 0.00001; gnomAD 0.00001.

Submissions (8):

Labcorp Genetics (formerly Invitae), Labcorp
Classification: Pathogenic. Last evaluated: 2025-10-05. Review status: criteria provided, single submitter. Criteria: Invitae Variant Classification Sherloc (09022015). Collection method: clinical testing. Allele origin: germline.
Comment: This sequence change creates a premature translational stop signal (p.Leu275Aspfs*16) in the STUB1 gene. While this is not anticipated to result in nonsense mediated decay, it is expected to disrupt the last 29 amino acid(s) of the STUB1 protein. This variant is present in population databases (rs748984540, gnomAD 0.007%). This premature translational stop signal has been observed in individual(s) with clinical features of STUB1-related conditions (PMID: 30381368). It has also been observed to segregate with disease in related individuals. ClinVar contains an entry for this variant (Variation ID: 590271). Algorithms developed to predict the effect of sequence changes on RNA splicing suggest that this variant may disrupt the consensus splice site. For these reasons, this variant has been classified as Pathogenic.

3billion
Classification: Pathogenic for Spinocerebellar ataxia 48. Last evaluated: 2025-08-27. Review status: criteria provided, single submitter. Criteria: ACMG Guidelines, 2015. Collection method: clinical testing. Allele origin: germline. Affected: yes.
Comment: The variant is observed at an extremely low frequency in the gnomAD v4.1.0 dataset (total allele frequency: <0.001%). Predicted Consequence/Location: Frameshift: predicted to result in a loss or disruption of normal protein function through protein truncation. Multiple pathogenic variants are reported in the predicted truncated region. The variant has been reported at least twice as pathogenic with clinical assertions and evidence for the classification (ClinVar ID: VCV000590271 /PMID: 30381368). Therefore, this variant is classified as Pathogenic according to the recommendation of ACMG/AMP guideline.

CeGaT Center for Human Genetics Tuebingen
Classification: Pathogenic. Last evaluated: 2024-07-01. Review status: criteria provided, single submitter. Criteria: CeGaT Center For Human Genetics Tuebingen Variant Classification Criteria Version 2. Collection method: clinical testing. Allele origin: germline. Affected: yes. Observed: 1 variant allele.
Comment: STUB1: PP1:Strong, PM2, PS4:Moderate, PVS1:Moderate

GeneDx
Classification: Likely pathogenic. Last evaluated: 2022-11-28. Review status: criteria provided, single submitter. Criteria: GeneDx Variant Classification Process June 2021. Collection method: clinical testing. Allele origin: germline. Affected: yes.
Comment: Not observed at significant frequency in large population cohorts (gnomAD); Frameshift variant predicted to result in protein truncation as the last 29 amino acids are replaced with 15 different amino acids; Previously reported in individuals with progressive cerebellar ataxia, cognitive impairment, behavioral changes, and cerebellar atrophy, consistent with a diagnosis of autosomal dominant SCA48 (Palvadeau et al., 2020; Lieto et al., 2020); This variant is associated with the following publications: (PMID: 31741143, 30381368, 31571321, 33624863, 34906452)

Molecular Medicine for Neurodegenerative and Neuromuscular Diseases Unit, IRCCS Fondazione Stella Maris
Classification: Pathogenic for Spinocerebellar ataxia 48. Last evaluated: 2021-01-04. Review status: criteria provided, single submitter. Criteria: ACMG Guidelines, 2015. Collection method: research. Allele origin: unknown. Affected: yes.

Clinical Genetics Service, Universitary Hospital 12 de Octubre
Classification: Pathogenic for Spinocerebellar ataxia 48. Review status: criteria provided, single submitter. Criteria: ACMG Guidelines, 2015. Collection method: clinical testing. Allele origin: germline. Affected: yes.

Juno Genomics, Hangzhou Juno Genomics, Inc
Classification: Likely pathogenic for Spinocerebellar ataxia 48; Autosomal recessive spinocerebellar ataxia 16. Review status: criteria provided, single submitter. Criteria: ACMG Guidelines, 2015. Collection method: clinical testing. Allele origin: germline.
Comment: Absent from controls (or at extremely low frequency if recessive) in Genome Aggregation Database.;Null variant in a gene where loss of function (LOF) is a known mechanism of disease.;The prevalence of the variant in affected individuals is significantly increased compared to the prevalence in controls.;Co-segregation with disease in multiple affected family members.;Patient's phenotype or family history is highly specific for a disease with a single genetic etiology.

OMIM
Classification: Pathogenic for SPINOCEREBELLAR ATAXIA 48. Last evaluated: 2026-07-15. Review status: no assertion criteria provided. Collection method: literature only. Allele origin: germline. Not counted in ClinVar's aggregate classification.

Literature cited by the submitters: PubMed 30381368 (cited by 3 submitters); PubMed 31571321 (cited by OMIM); PubMed 31741143 (cited by OMIM).

NM_005861.4(STUB1):c.823_824del (p.Leu275fs)

Genes: JMJD8 (jumonji domain containing 8; minus strand), STUB1 (STIP1 homology and U-box containing protein 1; plus strand). Cytogenetic location: 16p13.3.
Variant type: Deletion.
Coding change: c.823_824del on transcript NM_005861.4 (MANE Select); coding-DNA positions 823 to 824, 2 bases deleted (CT; older notation c.823_824delCT).
Protein change: p.Leu275fs; shifts the reading frame from leucine 275.
Molecular consequence: frameshift variant. On other transcripts: non-coding transcript variant (3), 3 prime UTR variant (5).
Genome position (GRCh38, 1-based): chr16:682,400-682,401, CT deleted. VCF-style (leftmost placement, unchanged base first): chr16-682399-CCT-C. GRCh37 (hg19) VCF-style: chr16-732399-CCT-C.
Other names: c.823_824delCT (NM_005861.4); c.607_608del, p.Leu203fs (NM_001293197.2); c.*393_*394del (NM_001005920.4, NM_001323919.3, NM_001323920.3); c.*427_*428del (NM_001323918.3, NM_001323922.3); short protein forms L275fs, L203fs.
Identifiers: ClinVar variation 590271 (VCV000590271.31), dbSNP rs748984540, ClinGen allele CA7786857.